The following is an entry in ClinVar:

ClinVar aggregate classification (germline): Uncertain significance (1 of 4 stars; one submission).

gnomAD v4.1: 7 of 1,614,036 alleles (0.00043%); highest among the groups gnomAD compares: Non-Finnish European, 0.00059%; no homozygotes.

Submission:

Women's Health and Genetics/Laboratory Corporation of America, LabCorp
Classification: Uncertain significance. Last evaluated: 2026-04-24. Review status: criteria provided, single submitter. Criteria: LabCorp Variant Classification Summary - May 2015. Collection method: clinical testing. Allele origin: germline.
Comment: Variant summary: HOGA1 c.952C>A (p.Arg318Ser) results in a non-conservative amino acid change in the encoded protein sequence. Algorithms developed to predict the effect of missense changes on protein structure and function all suggest that this variant is likely to be disruptive. The variant was absent in 250906 control chromosomes. The available data on variant occurrences in the general population are insufficient to allow any conclusion about variant significance. To our knowledge, no occurrence of c.952C>A in individuals affected with HOGA1-related conditions and no experimental evidence demonstrating its impact on protein function have been reported. No submitters have cited clinical-significance assessments for this variant to ClinVar. Based on the evidence outlined above, the variant was classified as uncertain significance.

NM_138413.4(HOGA1):c.952C>A (p.Arg318Ser)

Gene: HOGA1 (4-hydroxy-2-oxoglutarate aldolase 1; plus strand). Cytogenetic location: 10q24.2.
Variant type: single nucleotide variant.
Coding change: c.952C>A on transcript NM_138413.4 (MANE Select); coding-DNA position 952, C replaced by A.
Protein change: p.Arg318Ser; replaces arginine 318 with serine.
Molecular consequence: missense variant.
Genome position (GRCh38, 1-based): chr10:97,611,627, C>A. VCF-style: chr10-97611627-C-A. GRCh37 (hg19) VCF-style: chr10-99371384-C-A.
Other names: c.463C>A, p.Arg155Ser (NM_001134670.2); short protein forms R155S, R318S.
Identifiers: ClinVar variation 4849118 (VCV004849118.1).
Genomic context (GRCh38, chr10:97,611,627, plus strand): 5'-TATGGAGGCCCCTGCCGCGCCCCCTTGCAGGAGCTGAGCCCCGCTGAGGAGGAGGCACTG[C>A]GCATGGATTTCACCAGCAACGGCTGGCTCTGAGGGCAGGCAGGGTCCATGGCTGGCCTGA-3'
Protein context (NP_612422.2, residues 308-327): ELSPAEEEAL[Arg318Ser]MDFTSNGWL